The following is an entry in ClinVar:

NM_007294.4(BRCA1):c.1536T>C (p.Leu512=)

Gene: BRCA1 (BRCA1 DNA repair associated; minus strand). Cytogenetic location: 17q21.31.
Variant type: single nucleotide variant.
Coding change: c.1536T>C on transcript NM_007294.4 (MANE Select); coding-DNA position 1536, T replaced by C.
Protein change: p.Leu512=; no amino-acid change (leucine 512 retained).
Molecular consequence: synonymous variant. On other transcripts: intron variant (137).
Genome position (GRCh38, 1-based): chr17:43,093,995, A>G on the plus strand (T>C on the coding strand, the complement: BRCA1 is on the minus strand). VCF-style: chr17-43093995-A-G. GRCh37 (hg19) VCF-style: chr17-41246012-A-G.
Other names: c.1323T>C, p.Leu441= (NM_001407571.1, NM_001407894.1, NM_001407895.1 and 9 more transcripts); c.1536T>C, p.Leu512= (NM_001407581.1, NM_001407582.1, NM_001407583.1 and 30 more transcripts); c.1533T>C, p.Leu511= (NM_001407587.1, NM_001407590.1, NM_001407591.1 and 22 more transcripts); c.1527T>C, p.Leu509= (NM_001407646.1, NM_001407647.1); c.1413T>C, p.Leu471= (NM_001407648.1, NM_001407664.1, NM_001407665.1 and 19 more transcripts); c.1410T>C, p.Leu470= (NM_001407649.1, NM_001407670.1, NM_001407671.1 and 11 more transcripts); c.1458T>C, p.Leu486= (NM_001407653.1, NM_001407654.1, NM_001407655.1 and 4 more transcripts); c.1455T>C, p.Leu485= (NM_001407659.1, NM_001407660.1, NM_001407661.1 and 1 more transcripts); and 40 more.
Identifiers: ClinVar variation 758707 (VCV000758707.16), dbSNP rs1597875453, ClinGen allele CA500233491.

ClinVar aggregate classification (germline): Likely benign. Review status: criteria provided, multiple submitters, no conflicts (2 of 4 stars). 4 submissions from 4 submitters: Likely benign (4). Last evaluated 2025-04-19.

Conditions:
Hereditary breast ovarian cancer syndrome. Also called: BRCA1- and BRCA2-Associated Hereditary Breast and Ovarian Cancer; Hereditary breast and ovarian cancer syndrome (HBOC); Hereditary breast and ovarian cancer syndrome; Breast and ovarian cancer; Hereditary breast and ovarian cancer; Hereditary breast and/or ovarian cancer syndrome. Identifiers: Orphanet 145, MedGen C0677776, MeSH D061325, MONDO:0003582. Disease mechanism: loss of function.
Hereditary cancer-predisposing syndrome. Also called: Hereditary Cancer Syndrome; Hereditary neoplastic syndrome; Neoplastic Syndromes, Hereditary; Tumor predisposition. Identifiers: Orphanet 140162, MedGen C0027672, MeSH D009386, MONDO:0015356.
Breast-ovarian cancer, familial, susceptibility to, 1 (BROVCA1). Also called: OVARIAN CANCER, SUSCEPTIBILITY TO; BRCA1 Hereditary Breast and Ovarian Cancer. Identifiers: Orphanet 145, MedGen C2676676, MONDO:0011450, OMIM 604370. Disease mechanism: loss of function.

Submissions (4):

Ambry Genetics
Classification: Likely benign for Hereditary cancer-predisposing syndrome. Last evaluated: 2025-04-19. Review status: criteria provided, single submitter. Criteria: Ambry Variant Classification Scheme 2023. Collection method: clinical testing. Allele origin: germline.

Labcorp Genetics (formerly Invitae), Labcorp
Classification: Likely benign for Hereditary breast ovarian cancer syndrome. Last evaluated: 2024-10-23. Review status: criteria provided, single submitter. Criteria: Invitae Variant Classification Sherloc (09022015). Collection method: clinical testing. Allele origin: germline.

All of Us Research Program, National Institutes of Health
Classification: Likely benign for Breast-ovarian cancer, familial, susceptibility to, 1. Last evaluated: 2023-11-30. Review status: criteria provided, single submitter. Criteria: ACMG Guidelines, 2015. Collection method: clinical testing. Allele origin: germline. Inheritance: Autosomal dominant inheritance. Observed: 1 variant allele, 1 heterozygote.
Comment: This study involves interpretation of variants in research participants for the purpose of population health screening. Participant phenotype was not available at the time of variant classification. Additional details can be found in publication PMID: 35346344, PMCID: PMC8962531

Color Diagnostics, LLC DBA Color Health
Classification: Likely benign for Hereditary cancer-predisposing syndrome. Last evaluated: 2019-10-31. Review status: criteria provided, single submitter. Criteria: ACMG Guidelines, 2015. Collection method: clinical testing. Allele origin: germline.